The following is an entry in ClinVar:

NM_001282933.2(ZNF341):c.1652C>T (p.Thr551Ile)

Gene: ZNF341 (zinc finger protein 341; plus strand). Cytogenetic location: 20q11.22.
Variant type: single nucleotide variant.
Coding change: c.1652C>T on transcript NM_001282933.2 (MANE Select); coding-DNA position 1652, C replaced by T.
Protein change: p.Thr551Ile; replaces threonine 551 with isoleucine.
Molecular consequence: missense variant.
Genome position (GRCh38, 1-based): chr20:33,781,320, C>T. VCF-style: chr20-33781320-C-T. GRCh37 (hg19) VCF-style: chr20-32369126-C-T.
Other names: c.1382C>T, p.Thr461Ile (NM_001282935.2); c.1631C>T, p.Thr544Ile (NM_032819.5); short protein forms T461I, T551I, T544I.
Identifiers: ClinVar variation 2082804 (VCV002082804.1), dbSNP rs369266608, ClinGen allele CA9819509.

ClinVar aggregate classification (germline): Uncertain significance (1 of 4 stars; one submission).

Allele frequency attached by ClinVar (database versions not stated): gnomAD 0.00001; ExAC 0.00002; TOPMed 0.00002; gnomAD exomes 0.00004; ESP Exome Variant Server 0.00008.
gnomAD v4.1: 55 of 1,613,988 alleles (0.0034%); highest among the groups gnomAD compares: Non-Finnish European, 0.0046%; no homozygotes.

Submission:

Labcorp Genetics (formerly Invitae), Labcorp
Classification: Uncertain significance. Last evaluated: 2022-02-11. Review status: criteria provided, single submitter. Criteria: Invitae Variant Classification Sherloc (09022015). Collection method: clinical testing. Allele origin: germline.
Comment: This sequence change replaces threonine, which is neutral and polar, with isoleucine, which is neutral and non-polar, at codon 544 of the ZNF341 protein (p.Thr544Ile). This variant is present in population databases (rs369266608, gnomAD 0.002%). This variant has not been reported in the literature in individuals affected with ZNF341-related conditions. Algorithms developed to predict the effect of missense changes on protein structure and function are either unavailable or do not agree on the potential impact of this missense change (SIFT: "Deleterious"; PolyPhen-2: "Possibly Damaging"; Align-GVGD: "Class C0"). In summary, the available evidence is currently insufficient to determine the role of this variant in disease. Therefore, it has been classified as a Variant of Uncertain Significance.